The following is an entry in ClinVar:

NC_000017.10:g.(?_56780547)_(56811583_?)dup

Gene: RAD51C (RAD51 paralog C; plus strand). Cytogenetic location: 17q22.
Variant type: Duplication.
Identifiers: ClinVar variation 2427170 (VCV002427170.4).

ClinVar aggregate classification (germline): Uncertain significance (1 of 4 stars; one submission).

Conditions:
Fanconi anemia complementation group O. Also called: RAD51C-Related Fanconi Anemia. Identifiers: Orphanet 84, MedGen C3150653, MONDO:0013248, OMIM 613390.

Submission:

Labcorp Genetics (formerly Invitae), Labcorp
Classification: Uncertain significance for Fanconi anemia complementation group O. Last evaluated: 2021-12-17. Review status: criteria provided, single submitter. Criteria: Invitae Variant Classification Sherloc (09022015). Collection method: clinical testing. Allele origin: germline.
Comment: In summary, the available evidence is currently insufficient to determine the role of this variant in disease. Therefore, it has been classified as a Variant of Uncertain Significance. Experimental studies and prediction algorithms are not available or were not evaluated, and the functional significance of this variant is currently unknown. This variant has not been reported in the literature in individuals affected with RAD51C-related conditions. This variant results in a copy number gain of the genomic region encompassing exon(s) 4-9 of the RAD51C gene. This region includes the termination codon of the gene. This copy number gain extends beyond the assayed region for this gene and therefore may encompass additional genes. As the precise location of this event is unknown, it may be in tandem or it may be located elsewhere in the genome.